The following is an entry in ClinVar:

ClinVar aggregate classification (germline): Pathogenic (1 of 4 stars; one submission).

Conditions:
Congenital anomalies of kidney and urinary tract syndrome with or without hearing loss, abnormal ears, or developmental delay. Also called: Congenital Anomalies of the Kidney and Urinary Tract syndrome with or without Hearing Loss, Abnormal Ears, or Developmental Delay. Identifiers: Orphanet 656130, MedGen C4539968, MONDO:0060549, OMIM 617641.

Submission:

HudsonAlpha Institute for Biotechnology
Classification: Pathogenic for Congenital anomalies of kidney and urinary tract syndrome with or without hearing loss, abnormal ears, or developmental delay. Last evaluated: 2020-10-30. Review status: criteria provided, single submitter. Criteria: ACMG Guidelines, 2015. Collection method: research. Allele origin: de novo. Affected: yes. Observed: 1 variant allele. Study: HudsonAlpha-AGHI-WGS.
Comment: ACMG codes:PVS1, PS2, PM2

NM_002585.4(PBX1):c.67del (p.Ser23fs)

Gene: PBX1 (PBX homeobox 1; plus strand). Cytogenetic location: 1q23.3.
Variant type: Deletion.
Coding change: c.67del on transcript NM_002585.4 (MANE Select); coding-DNA position 67, one base deleted (T; older notation c.67delT).
Protein change: p.Ser23fs; shifts the reading frame from serine 23.
Molecular consequence: frameshift variant. On other transcripts: 5 prime UTR variant (1).
Genome position (GRCh38, 1-based): chr1:164,559,889, T deleted. VCF-style (leftmost placement, unchanged base first): chr1-164559888-GT-G. GRCh37 (hg19) VCF-style: chr1-164529125-GT-G.
Other names: c.67del, p.Ser23fs (NM_001204961.2, NM_001204963.2, NM_001353131.2); c.-109del (NM_001353130.1); short protein forms S23fs.
Identifiers: ClinVar variation 1251927 (VCV001251927.1), dbSNP rs2101678386, ClinGen allele CA2499214282.
Genomic context (GRCh38, chr1:164,559,888, plus strand): 5'-CGAGCAGCCCAGGCTGATGCATTCCCATGCTGGGGTCGGGATGGCCGGACACCCCGGCCT[GT>G]CCCAGCACTTGCAGGATGGGGCCGGAGGGACCGAGGGGGAGGGCGGGAGGAAGCAGGACA-3'